The following is an entry in ClinVar:

ClinVar aggregate classification (germline): Uncertain significance (1 of 4 stars; one submission).

Submission:

Labcorp Genetics (formerly Invitae), Labcorp
Classification: Uncertain significance. Last evaluated: 2024-03-15. Review status: criteria provided, single submitter. Criteria: Invitae Variant Classification Sherloc (09022015). Collection method: clinical testing. Allele origin: germline.
Comment: This sequence change replaces aspartic acid, which is acidic and polar, with glycine, which is neutral and non-polar, at codon 215 of the BACH2 protein (p.Asp215Gly). This variant is not present in population databases (gnomAD no frequency). This variant has not been reported in the literature in individuals affected with BACH2-related conditions. Advanced modeling of protein sequence and biophysical properties (such as structural, functional, and spatial information, amino acid conservation, physicochemical variation, residue mobility, and thermodynamic stability) performed at Invitae indicates that this missense variant is not expected to disrupt BACH2 protein function with a negative predictive value of 80%. In summary, the available evidence is currently insufficient to determine the role of this variant in disease. Therefore, it has been classified as a Variant of Uncertain Significance.

NM_021813.4(BACH2):c.644A>G (p.Asp215Gly)

Gene: BACH2 (BACH transcriptional regulator 2; minus strand). Cytogenetic location: 6q15.
Variant type: single nucleotide variant.
Coding change: c.644A>G on transcript NM_021813.4 (MANE Select); coding-DNA position 644, A replaced by G.
Protein change: p.Asp215Gly; replaces aspartic acid 215 with glycine.
Molecular consequence: missense variant.
Genome position (GRCh38, 1-based): chr6:89,951,462, T>C on the plus strand (A>G on the coding strand, the complement: BACH2 is on the minus strand). VCF-style: chr6-89951462-T-C. GRCh37 (hg19) VCF-style: chr6-90661181-T-C.
Other names: c.644A>G, p.Asp215Gly (NM_001170794.2); short protein forms D215G.
Identifiers: ClinVar variation 3700419 (VCV003700419.2).